The following is an entry in ClinVar:

NM_001367624.2(ZNF469):c.3125G>T (p.Arg1042Leu)

Gene: ZNF469 (zinc finger protein 469; plus strand). Cytogenetic location: 16q24.2.
Variant type: single nucleotide variant.
Coding change: c.3125G>T on transcript NM_001367624.2 (MANE Select); coding-DNA position 3125, G replaced by T.
Protein change: p.Arg1042Leu; replaces arginine 1042 with leucine.
Molecular consequence: missense variant.
Genome position (GRCh38, 1-based): chr16:88,430,595, G>T. VCF-style: chr16-88430595-G-T. GRCh37 (hg19) VCF-style: chr16-88497003-G-T.
Other names: p.Arg1042Leu; short protein forms R1042L.
Identifiers: ClinVar variation 4542058 (VCV004542058.1).

ClinVar aggregate classification (germline): Uncertain significance (1 of 4 stars; one submission).

Submission:

Mayo Clinic Laboratories, Mayo Clinic
Classification: Uncertain significance. Last evaluated: 2025-05-12. Review status: criteria provided, single submitter. Criteria: ACMG Guidelines, 2015. Collection method: clinical testing. Allele origin: germline. Observed: 1 variant allele.
Comment: BP4_moderate, PM2_supporting